The following is an entry in ClinVar:

ClinVar aggregate classification (germline): Conflicting classifications of pathogenicity. Review status: criteria provided, conflicting classifications (1 of 4 stars). 3 submissions from 3 submitters: Uncertain significance (1); Likely benign (1). 1 of the submissions does not count toward it. Last evaluated 2018-05-14.

Conditions:
GDNF-related disorder. Also called: GDNF-related condition.

Allele frequency attached by ClinVar (database versions not stated): 1000 Genomes Project 30x 0.00078; gnomAD exomes 0.00010; ESP Exome Variant Server 0.00060; TOPMed 0.00068; ExAC 0.00014; 1000 Genomes Project 0.00100.
gnomAD v4.1: 161 of 1,598,624 alleles (0.01%); highest among the groups gnomAD compares: African/African-American, 0.2%; no homozygotes.

Submissions (3):

Labcorp Genetics (formerly Invitae), Labcorp
Classification: Likely benign. Last evaluated: 2018-05-14. Review status: criteria provided, single submitter. Criteria: Invitae Variant Classification Sherloc (09022015). Collection method: clinical testing. Allele origin: germline.

Eurofins Ntd Llc (ga)
Classification: Uncertain significance. Last evaluated: 2016-11-15. Review status: criteria provided, single submitter. Criteria: EGL Classification Definitions 2015. Collection method: clinical testing. Allele origin: germline. Observed: 1 variant allele, 1 heterozygote.

PreventionGenetics, part of Exact Sciences
Classification: Likely benign for GDNF-related condition. Last evaluated: 2019-06-04. Review status: no assertion criteria provided. Collection method: clinical testing. Allele origin: germline. Not counted in ClinVar's aggregate classification.
Comment: This variant is classified as likely benign based on ACMG/AMP sequence variant interpretation guidelines (Richards et al. 2015 PMID: 25741868, with internal and published modifications).

NM_000514.4(GDNF):c.138G>A (p.Ala46=)

Gene: GDNF (glial cell derived neurotrophic factor; minus strand). Cytogenetic location: 5p13.2.
Variant type: single nucleotide variant.
Coding change: c.138G>A on transcript NM_000514.4 (MANE Select); coding-DNA position 138, G replaced by A.
Protein change: p.Ala46=; no amino-acid change (alanine 46 retained).
Molecular consequence: synonymous variant. On other transcripts: intron variant (3).
Genome position (GRCh38, 1-based): chr5:37,834,659, C>T on the plus strand (G>A on the coding strand, the complement: GDNF is on the minus strand). VCF-style: chr5-37834659-C-T. GRCh37 (hg19) VCF-style: chr5-37834761-C-T.
Other names: c.189G>A, p.Ala63= (NM_001190468.1); c.124+65G>A (NM_001190469.1); c.73+65G>A (NM_199231.2); c.-86+65G>A (NM_001278098.1).
Identifiers: ClinVar variation 497943 (VCV000497943.11), dbSNP rs375385439, ClinGen allele CA3241252.
Genomic context (GRCh38, chr5:37,834,659, plus strand): 5'-GAGGGGGTCCGCCGGCGGCCCCCCCGCGGGGAGGGAACGGTTCTTACAGTCACTGCTCAG[C>T]GCGAAGGGCGCGCGGCGGCGGCCGAGGGAGCGGTCTTCGGCGGGCGCCTCGGGAGGCCTC-3'
Protein context (NP_000505.1, residues 36-56): RSLGRRRAPF[Ala46=]LSSDSNMPED